The following is an entry in ClinVar:

ClinVar aggregate classification (germline): Benign/Likely benign. Review status: criteria provided, multiple submitters, no conflicts (2 of 4 stars). 12 submissions from 12 submitters: Benign (2); Likely benign (7). 3 of the submissions do not count toward it. Last evaluated 2026-09-01.

Conditions:
HLCS-related disorder. Also called: HLCS-related condition.
Inborn genetic diseases. Identifiers: MedGen C0950123, MeSH D030342.
Holocarboxylase synthetase deficiency. Also called: MULTIPLE CARBOXYLASE DEFICIENCY, EARLY ONSET. Identifiers: Orphanet 79242, MedGen C0268581, MONDO:0009666, OMIM 253270.

Allele frequency attached by ClinVar (database versions not stated): ExAC 0.00237; 1000 Genomes Project 0.00260; 1000 Genomes Project 30x 0.00281; ESP Exome Variant Server 0.00284; gnomAD 0.00307 and 0.00315; TOPMed 0.00387.
gnomAD v4.1: 3,018 of 1,614,196 alleles (0.19%); highest among the groups gnomAD compares: Middle Eastern, 1.2%; 15 homozygotes.

Submissions (12):

CeGaT Center for Human Genetics Tuebingen
Classification: Likely benign. Last evaluated: 2026-09-01. Review status: criteria provided, single submitter. Criteria: CeGaT Center For Human Genetics Tuebingen Variant Classification Criteria Version 2. Collection method: clinical testing. Allele origin: germline. Affected: yes. Observed: 6 variant alleles.
Comment: HLCS: BS2

Labcorp Genetics (formerly Invitae), Labcorp
Classification: Benign for Holocarboxylase synthetase deficiency. Last evaluated: 2026-01-28. Review status: criteria provided, single submitter. Criteria: Invitae Variant Classification Sherloc (09022015). Collection method: clinical testing. Allele origin: germline.

PreventionGenetics, part of Exact Sciences
Classification: Likely benign for HLCS-related condition. Last evaluated: 2025-07-02. Review status: criteria provided, single submitter. Criteria: ACMG Guidelines, 2015. Collection method: clinical testing. Allele origin: germline.
Comment: This variant is classified as likely benign based on ACMG/AMP sequence variant interpretation guidelines (Richards et al. 2015 PMID: 25741868, with internal and published modifications).

Ambry Genetics
Classification: Likely benign for Inborn genetic diseases. Last evaluated: 2021-04-03. Review status: criteria provided, single submitter. Criteria: Ambry Variant Classification Scheme 2023. Collection method: clinical testing. Allele origin: germline.

GeneDx
Classification: Benign. Last evaluated: 2018-03-05. Review status: criteria provided, single submitter. Criteria: GeneDx Variant Classification (06012015). Collection method: clinical testing. Allele origin: germline. Affected: yes.
Comment: This variant is considered likely benign or benign based on one or more of the following criteria: it is a conservative change, it occurs at a poorly conserved position in the protein, it is predicted to be benign by multiple in silico algorithms, and/or has population frequency not consistent with disease.

Illumina Laboratory Services, Illumina
Classification: Likely benign for Holocarboxylase synthetase deficiency. Last evaluated: 2018-01-12. Review status: criteria provided, single submitter. Criteria: ICSL Variant Classification Criteria 13 December 2019. Collection method: clinical testing. Allele origin: germline.
Comment: This variant was observed in the ICSL laboratory as part of a predisposition screen in an ostensibly healthy population. It had not been previously curated by ICSL or reported in the Human Gene Mutation Database (HGMD: prior to June 1st, 2018), and was therefore a candidate for classification through an automated scoring system. Utilizing variant allele frequency, disease prevalence and penetrance estimates, and inheritance mode, an automated score was calculated to assess if this variant is too frequent to cause the disease. Based on the score and internal cut-off values, a variant classified as likely benign is not then subjected to further curation. The score for this variant resulted in a classification of likely benign for this disease.

Clinical Genetics DNA and cytogenetics Diagnostics Lab, Erasmus MC, Erasmus Medical Center
Classification: Likely benign for Holocarboxylase synthetase deficiency. Last evaluated: 2016-05-02. Review status: criteria provided, single submitter. Criteria: ACGS Guidelines, 2013. Collection method: clinical testing. Allele origin: germline. Affected: yes. Study: VKGL Data-share Consensus.

Laboratory for Molecular Medicine, Mass General Brigham Personalized Medicine
Classification: Likely benign. Last evaluated: 2016-03-28. Review status: criteria provided, single submitter. Criteria: LMM Criteria. Collection method: clinical testing. Allele origin: germline.
Comment: Variant identified in a genome or exome case(s) and assessed due to predicted null impact of the variant or pathogenic assertions in the literature or databases. Disclaimer: This variant has not undergone full assessment. The following are preliminary notes: Gene assocaited with multiple carboxylase deficiency/ holocarboxylase synthetase deficiency - Affected infants often have difficulty feeding, breathing problems, a skin rash, hair loss (alopecia), and a lack of energy (lethargy).2 homo Europeans. Frequency of this variant is too high for the disorder ( estimated to affect 1 in 87,000 people)

Breakthrough Genomics
Classification: Likely benign. Review status: criteria provided, single submitter. Criteria: ACMG Guidelines, 2015. Collection method: not provided. Allele origin: germline. Inheritance: Autosomal recessive inheritance. Affected: yes.

Natera, Inc.
Classification: Benign for Holocarboxylase synthetase deficiency. Last evaluated: 2019-12-04. Review status: no assertion criteria provided. Collection method: clinical testing. Allele origin: germline. Not counted in ClinVar's aggregate classification.

Clinical Genetics, Academic Medical Center
Classification: Likely benign. Review status: no assertion criteria provided. Collection method: clinical testing. Allele origin: germline. Affected: yes. Study: VKGL Data-share Consensus. Not counted in ClinVar's aggregate classification.

Laboratory of Diagnostic Genome Analysis, Leiden University Medical Center (LUMC)
Classification: Likely benign. Review status: no assertion criteria provided. Collection method: clinical testing. Allele origin: germline. Affected: yes. Study: VKGL Data-share Consensus. Not counted in ClinVar's aggregate classification.

NM_001352514.2(HLCS):c.2113G>A (p.Glu705Lys)

Gene: HLCS (holocarboxylase synthetase; minus strand). Cytogenetic location: 21q22.13.
Variant type: single nucleotide variant.
Coding change: c.2113G>A on transcript NM_001352514.2 (MANE Select); coding-DNA position 2113, G replaced by A.
Protein change: p.Glu705Lys; replaces glutamic acid 705 with lysine.
Molecular consequence: missense variant. On other transcripts: non-coding transcript variant (2).
Genome position (GRCh38, 1-based): chr21:36,765,020, C>T on the plus strand (G>A on the coding strand, the complement: HLCS is on the minus strand). VCF-style: chr21-36765020-C-T. GRCh37 (hg19) VCF-style: chr21-38137321-C-T.
Other names: p.E558K:GAG>AAG; c.1672G>A, p.Glu558Lys (NM_000411.8, NM_001242784.3, NM_001242785.2 and 4 more transcripts); short protein forms E558K, E705K.
Identifiers: ClinVar variation 203754 (VCV000203754.41), dbSNP rs149736764, ClinGen allele CA312596.
Genomic context (GRCh38, chr21:36,765,020, plus strand): 5'-CCAGATTCTGCATGCATCCCAGGGACATAGAAGGAGACTGAACTGTACCTACCTGATACT[C>T]GGGAATGGACCTCACTGCTTCCACGACAGCCACGGACATCAGATGCTGGACAAACGGGAT-3'
Protein context (NP_001339443.1, residues 695-715): AVVEAVRSIP[Glu705Lys]YQDINLRVKW